The following is an entry in ClinVar:

NM_015135.3(NUP205):c.921T>A (p.Ile307=)

Gene: NUP205 (nucleoporin 205; plus strand). Cytogenetic location: 7q33.
Variant type: single nucleotide variant.
Coding change: c.921T>A on transcript NM_015135.3 (MANE Select); coding-DNA position 921, T replaced by A.
Protein change: p.Ile307=; no amino-acid change (isoleucine 307 retained).
Molecular consequence: synonymous variant. On other transcripts: 5 prime UTR variant (1).
Genome position (GRCh38, 1-based): chr7:135,578,794, T>A. VCF-style: chr7-135578794-T-A. GRCh37 (hg19) VCF-style: chr7-135263542-T-A.
Other names: c.-165T>A (NM_001329434.2).
Identifiers: ClinVar variation 3051793 (VCV003051793.2), dbSNP rs2486106985, ClinGen allele CA457905959.

ClinVar aggregate classification (germline): Likely benign (0 of 4 stars; one submission).

Conditions:
NUP205-related disorder. Also called: NUP205-related condition.

Submission:

PreventionGenetics, part of Exact Sciences
Classification: Likely benign for NUP205-related condition. Last evaluated: 2023-12-01. Review status: no assertion criteria provided. Collection method: clinical testing. Allele origin: germline.
Comment: This variant is classified as likely benign based on ACMG/AMP sequence variant interpretation guidelines (Richards et al. 2015 PMID: 25741868, with internal and published modifications).